The following is an entry in ClinVar:

ClinVar aggregate classification (germline): Uncertain significance (1 of 4 stars; one submission).

Submission:

Labcorp Genetics (formerly Invitae), Labcorp
Classification: Uncertain significance. Last evaluated: 2023-08-19. Review status: criteria provided, single submitter. Criteria: Invitae Variant Classification Sherloc (09022015). Collection method: clinical testing. Allele origin: germline.
Comment: This sequence change replaces arginine, which is basic and polar, with glycine, which is neutral and non-polar, at codon 410 of the DYRK1B protein (p.Arg410Gly). This variant is not present in population databases (gnomAD no frequency). In summary, the available evidence is currently insufficient to determine the role of this variant in disease. Therefore, it has been classified as a Variant of Uncertain Significance. Advanced modeling of protein sequence and biophysical properties (such as structural, functional, and spatial information, amino acid conservation, physicochemical variation, residue mobility, and thermodynamic stability) performed at Invitae indicates that this missense variant is not expected to disrupt DYRK1B protein function. This variant has not been reported in the literature in individuals affected with DYRK1B-related conditions.

NM_004714.3(DYRK1B):c.1228C>G (p.Arg410Gly)

Gene: DYRK1B (dual specificity tyrosine phosphorylation regulated kinase 1B; minus strand). Cytogenetic location: 19q13.2.
Variant type: single nucleotide variant.
Coding change: c.1228C>G on transcript NM_004714.3 (MANE Select); coding-DNA position 1228, C replaced by G.
Protein change: p.Arg410Gly; replaces arginine 410 with glycine.
Molecular consequence: missense variant.
Genome position (GRCh38, 1-based): chr19:39,826,855, G>C on the plus strand (C>G on the coding strand, the complement: DYRK1B is on the minus strand). VCF-style: chr19-39826855-G-C. GRCh37 (hg19) VCF-style: chr19-40317495-G-C.
Other names: c.1108C>G, p.Arg370Gly (NM_006483.3); c.1144C>G, p.Arg382Gly (NM_006484.3); short protein forms R410G, R370G, R382G.
Identifiers: ClinVar variation 2827813 (VCV002827813.3), dbSNP rs1040806207, ClinGen allele CA405823674.